The following is an entry in ClinVar:

NM_030912.3(TRIM8):c.1229dup (p.Gln411fs)

Gene: TRIM8 (tripartite motif containing 8; plus strand). Cytogenetic location: 10q24.32.
Variant type: Duplication.
Coding change: c.1229dup on transcript NM_030912.3 (MANE Select); coding-DNA position 1229, one base duplicated (G; older notation c.1229dupG).
Protein change: p.Gln411fs; shifts the reading frame from glutamine 411.
Molecular consequence: frameshift variant. On other transcripts: non-coding transcript variant (1).
Genome position (GRCh38, 1-based): chr10:102,656,927, G duplicated; the last of 3 consecutive G bases (chr10:102,656,925-102,656,927); duplicating any one gives the same sequence. VCF-style (leftmost placement, unchanged base first): chr10-102656924-A-AG. GRCh37 (hg19) VCF-style: chr10-104416681-A-AG.
Other names: c.1133dup, p.Gln379fs (NM_001345950.1); short protein forms Q379fs, Q411fs.
Identifiers: ClinVar variation 4865922 (VCV004865922.1).

ClinVar aggregate classification (germline): Likely pathogenic (1 of 4 stars; one submission).

Conditions:
Inborn genetic diseases. Identifiers: MedGen C0950123, MeSH D030342.

Submission:

Ambry Genetics
Classification: Likely pathogenic for Inborn genetic diseases. Last evaluated: 2026-06-05. Review status: criteria provided, single submitter. Criteria: Ambry Variant Classification Scheme 2023. Collection method: clinical testing. Allele origin: germline.
Comment: The c.1229dupG (p.Q411Pfs*116) alteration, located in exon 6 (coding exon 6) of the TRIM8 gene, consists of a duplication of G at position 1229, causing a translational frameshift with a predicted alternate stop codon after 116 amino acids. This variant occurs at the 3' terminus of the TRIM8 gene and is not expected to trigger nonsense-mediated mRNA decay. This variant was not reported in population-based cohorts in the Genome Aggregation Database (gnomAD). This variant is located in a region of the protein where truncating variants that escape nonsense mediated mRNA decay have been reported as disease-causing for TRIM8-relaetd neurodevelopmental disease (Weng, 2021). Based on the available evidence, this alteration is classified as likely pathogenic.

Literature cited by the submitters: PubMed 33508234.